The following is an entry in ClinVar:

NM_001352514.2(HLCS):c.1150C>T (p.Leu384Phe)

Gene: HLCS (holocarboxylase synthetase; minus strand). Cytogenetic location: 21q22.13.
Variant type: single nucleotide variant.
Coding change: c.1150C>T on transcript NM_001352514.2 (MANE Select); coding-DNA position 1150, C replaced by T.
Protein change: p.Leu384Phe; replaces leucine 384 with phenylalanine.
Molecular consequence: missense variant. On other transcripts: non-coding transcript variant (2).
Genome position (GRCh38, 1-based): chr21:36,936,736, G>A on the plus strand (C>T on the coding strand, the complement: HLCS is on the minus strand). VCF-style: chr21-36936736-G-A. GRCh37 (hg19) VCF-style: chr21-38309036-G-A.
Other names: c.709C>T, p.Leu237Phe (NM_000411.8, NM_001242784.3, NM_001242785.2 and 4 more transcripts); short protein forms L237F, L384F.
Identifiers: ClinVar variation 4687135 (VCV004687135.1).

ClinVar aggregate classification (germline): Uncertain significance (1 of 4 stars; one submission).

gnomAD v4.1: 4 of 1,614,254 alleles (0.00025%); highest among the groups gnomAD compares: Non-Finnish European, 0.00034%; no homozygotes.

Submission:

Women's Health and Genetics/Laboratory Corporation of America, LabCorp
Classification: Uncertain significance. Last evaluated: 2025-10-21. Review status: criteria provided, single submitter. Criteria: LabCorp Variant Classification Summary - May 2015. Collection method: clinical testing. Allele origin: germline.
Comment: Variant summary: HLCS c.709C>T (p.Leu237Phe) results in a non-conservative amino acid change in the encoded protein sequence. Algorithms developed to predict the effect of missense changes on protein structure and function all suggest that this variant is likely to be disruptive. The variant allele was found at a frequency of 4e-06 in 251258 control chromosomes. The available data on variant occurrences in the general population are insufficient to allow any conclusion about variant significance. To our knowledge, no occurrence of c.709C>T in individuals affected with HLCS-related conditions and no experimental evidence demonstrating its impact on protein function have been reported. A different variant affecting the same codon has been classified as likely pathogenic/pathogenic by our lab (c.710T>C, p.Leu237Pro), supporting the critical relevance of codon 237 to HLCS protein function. No submitters have cited clinical-significance assessments for this variant to ClinVar. Based on the evidence outlined above, the variant was classified as uncertain significance.